The following is an entry in ClinVar:

NM_007294.4(BRCA1):c.4110T>C (p.Ser1370=)

Gene: BRCA1 (BRCA1 DNA repair associated; minus strand). Cytogenetic location: 17q21.31.
Variant type: single nucleotide variant.
Coding change: c.4110T>C on transcript NM_007294.4 (MANE Select); coding-DNA position 4110, T replaced by C.
Protein change: p.Ser1370=; no amino-acid change (serine 1370 retained).
Molecular consequence: synonymous variant.
Genome position (GRCh38, 1-based): chr17:43,091,019, A>G on the plus strand (T>C on the coding strand, the complement: BRCA1 is on the minus strand). VCF-style: chr17-43091019-A-G. GRCh37 (hg19) VCF-style: chr17-41243036-A-G.
Other names: c.3897T>C, p.Ser1299= (NM_001407571.1, NM_001407853.1, NM_001407894.1 and 9 more transcripts); c.4110T>C, p.Ser1370= (NM_001407581.1, NM_001407582.1, NM_001407583.1 and 30 more transcripts); c.4107T>C, p.Ser1369= (NM_001407587.1, NM_001407590.1, NM_001407591.1 and 22 more transcripts); c.4101T>C, p.Ser1367= (NM_001407646.1, NM_001407647.1); c.3987T>C, p.Ser1329= (NM_001407648.1, NM_001407664.1, NM_001407665.1 and 19 more transcripts); c.3984T>C, p.Ser1328= (NM_001407649.1, NM_001407670.1, NM_001407671.1 and 11 more transcripts); c.4032T>C, p.Ser1344= (NM_001407653.1, NM_001407654.1, NM_001407655.1 and 4 more transcripts); c.4029T>C, p.Ser1343= (NM_001407659.1, NM_001407660.1, NM_001407661.1 and 1 more transcripts); and 41 more.
Identifiers: ClinVar variation 427251 (VCV000427251.8), dbSNP rs1131692067, ClinGen allele CA500123163.
Genomic context (GRCh38, chr17:43,091,019, plus strand): 5'-GTCACTCTGAGAGGATAGCCCTGAGCAGTCTTCAGAGACGCTTGTTTCACTCTCACACCC[A>G]GATGCTGCTTCACCTTAAATAACAAAAACAGAGGTTCAGATGTAAAAGCAGACTATAAAC-3'
Protein context (NP_009225.1, residues 1360-1380): SMDSNLGEAA[Ser1370=]GCESETSVSE

ClinVar aggregate classification (germline): Likely benign. Review status: reviewed by expert panel (3 of 4 stars). 3 submissions from 3 submitters: Likely benign (1). 2 of the submissions do not count toward it. Last evaluated 2017-06-29.

Conditions:
Hereditary breast ovarian cancer syndrome. Also called: Hereditary breast and ovarian cancer syndrome (HBOC); BRCA1- and BRCA2-Associated Hereditary Breast and Ovarian Cancer; Hereditary breast and/or ovarian cancer syndrome; Hereditary breast and ovarian cancer syndrome; Hereditary breast and ovarian cancer; Breast and ovarian cancer. Identifiers: Orphanet 145, MedGen C0677776, MeSH D061325, MONDO:0003582. Disease mechanism: loss of function.
Hereditary cancer-predisposing syndrome. Also called: Neoplastic Syndromes, Hereditary; Hereditary neoplastic syndrome; Tumor predisposition; Hereditary Cancer Syndrome. Identifiers: Orphanet 140162, MedGen C0027672, MeSH D009386, MONDO:0015356.
Breast-ovarian cancer, familial, susceptibility to, 1 (BROVCA1). Also called: BRCA1 Hereditary Breast and Ovarian Cancer; OVARIAN CANCER, SUSCEPTIBILITY TO. Identifiers: Orphanet 145, MedGen C2676676, MONDO:0011450, OMIM 604370. Disease mechanism: loss of function.

Submissions (3):

Evidence-based Network for the Interpretation of Germline Mutant Alleles (ENIGMA)
Classification: Likely benign for Breast-ovarian cancer, familial, susceptibility to, 1. Last evaluated: 2017-06-29. Review status: reviewed by expert panel. Criteria: ENIGMA BRCA1/2 Classification Criteria (2017-06-29). Collection method: curation. Allele origin: germline.
Comment: Synonymous substitution variant, with low bioinformatic likelihood to result in a splicing aberration (Splicing prior probability 0.02).

Labcorp Genetics (formerly Invitae), Labcorp
Classification: Likely benign for Hereditary breast ovarian cancer syndrome. Last evaluated: 2025-01-23. Review status: criteria provided, single submitter. Criteria: Invitae Variant Classification Sherloc (09022015). Collection method: clinical testing. Allele origin: germline. Not counted in ClinVar's aggregate classification.

Ambry Genetics
Classification: Likely benign for Hereditary cancer-predisposing syndrome. Last evaluated: 2022-04-11. Review status: criteria provided, single submitter. Criteria: Ambry Variant Classification Scheme 2023. Collection method: clinical testing. Allele origin: germline. Not counted in ClinVar's aggregate classification.

Literature cited by the submitters: PubMed 15146556 (cited by Ambry Genetics).